The following is an entry in ClinVar:

ClinVar aggregate classification (germline): Pathogenic (1 of 4 stars; one submission).

Submission:

GeneDx
Classification: Pathogenic. Last evaluated: 2017-05-30. Review status: criteria provided, single submitter. Criteria: GeneDx Variant Classification (06012015). Collection method: clinical testing. Allele origin: germline. Affected: yes.
Comment: The c.6193_6199dupAGCGCTC variant in the CREBBP gene has not been reported previously as a pathogenic variant nor as a benign variant, to our knowledge. The c.6193_6199dupAGCGCTC variant causes a frameshift starting with codon Leucine 2067, changes this amino acid to a Glutamine residue, and creates a premature Stop codon at position 276 of the new reading frame, denoted p.Leu2067GlnfsX276. This variant is predicted to cause loss of normal protein function through protein truncation as the last 376 amino acids are lost and replaced with 275 incorrect amino acids. This variant is not observed in large population cohorts (Lek et al., 2016; 1000 Genomes Consortium et al., 2015; Exome Variant Server).

NM_004380.3(CREBBP):c.6193_6199dup (p.Leu2067fs)

Gene: CREBBP (CREB binding protein; minus strand). Cytogenetic location: 16p13.3.
Variant type: Duplication.
Coding change: c.6193_6199dup on transcript NM_004380.3 (MANE Select); coding-DNA positions 6193 to 6199, 7 bases duplicated (AGCGCTC; older notation c.6193_6199dupAGCGCTC).
Protein change: p.Leu2067fs; shifts the reading frame from leucine 2067.
Molecular consequence: frameshift variant.
Genome position (GRCh38, 1-based): chr16:3,728,848-3,728,854, GAGCGCT duplicated on the plus strand (AGCGCTC on the coding strand, the reverse complement: CREBBP is on the minus strand); duplicating any 7 consecutive bases within chr16:3,728,848-3,728,855 gives the same sequence; the c. name uses the placement nearest the transcript's 3' end. VCF-style (leftmost placement, unchanged base first): chr16-3728847-A-AGAGCGCT. GRCh37 (hg19) VCF-style: chr16-3778848-A-AGAGCGCT.
Other names: c.6193_6199dupAGCGCTC (NM_004380.2); c.6079_6085dup, p.Leu2029fs (NM_001079846.1); short protein forms L2029fs, L2067fs.
Identifiers: ClinVar variation 430476 (VCV000430476.2), dbSNP rs1131691988, ClinGen allele CA645369671.
Genomic context (GRCh38, chr16:3,728,847, plus strand): 5'-AGCACCTGCTGTTGCTGCTGAGGGGAGCTGGGCGACTTCAGGGTCCGCAGCAGGTCTTGC[A>AGAGCGCT]GAGCGCTGGGTGAGATGCTCCTGGGTGGCTGCACGCTGGGCATCCGGGGCCCAGCCACGG-3'